The following is an entry in ClinVar:

NM_001563.4(IMPG1):c.262C>A (p.Gln88Lys)

Gene: IMPG1 (interphotoreceptor matrix proteoglycan 1; minus strand). Cytogenetic location: 6q14.1.
Variant type: single nucleotide variant.
Coding change: c.262C>A on transcript NM_001563.4 (MANE Select); coding-DNA position 262, C replaced by A.
Protein change: p.Gln88Lys; replaces glutamine 88 with lysine.
Molecular consequence: missense variant. On other transcripts: intron variant (1).
Genome position (GRCh38, 1-based): chr6:76,041,932, G>T on the plus strand (C>A on the coding strand, the complement: IMPG1 is on the minus strand). VCF-style: chr6-76041932-G-T. GRCh37 (hg19) VCF-style: chr6-76751649-G-T.
Other names: c.68-7145C>A (NM_001282368.2); short protein forms Q88K.
Identifiers: ClinVar variation 2103157 (VCV002103157.4), dbSNP rs986664547, ClinGen allele CA364829617.

ClinVar aggregate classification (germline): Uncertain significance (1 of 4 stars; one submission).

Submission:

Labcorp Genetics (formerly Invitae), Labcorp
Classification: Uncertain significance. Last evaluated: 2023-08-28. Review status: criteria provided, single submitter. Criteria: Invitae Variant Classification Sherloc (09022015). Collection method: clinical testing. Allele origin: germline.
Comment: This sequence change replaces glutamine, which is neutral and polar, with lysine, which is basic and polar, at codon 88 of the IMPG1 protein (p.Gln88Lys). This variant is not present in population databases (gnomAD no frequency). This variant has not been reported in the literature in individuals affected with IMPG1-related conditions. ClinVar contains an entry for this variant (Variation ID: 2103157). An algorithm developed to predict the effect of missense changes on protein structure and function (PolyPhen-2) suggests that this variant is likely to be tolerated. In summary, the available evidence is currently insufficient to determine the role of this variant in disease. Therefore, it has been classified as a Variant of Uncertain Significance.